The following is an entry in ClinVar:

NM_030962.4(SBF2):c.3818G>A (p.Ser1273Asn)

Gene: SBF2 (SET binding factor 2; minus strand). Cytogenetic location: 11p15.4.
Variant type: single nucleotide variant.
Coding change: c.3818G>A on transcript NM_030962.4 (MANE Select); coding-DNA position 3818, G replaced by A.
Protein change: p.Ser1273Asn; replaces serine 1273 with asparagine.
Molecular consequence: missense variant.
Genome position (GRCh38, 1-based): chr11:9,817,000, C>T on the plus strand (G>A on the coding strand, the complement: SBF2 is on the minus strand). VCF-style: chr11-9817000-C-T. GRCh37 (hg19) VCF-style: chr11-9838547-C-T.
Other names: c.3914G>A, p.Ser1305Asn (NM_001386339.1); c.3689G>A, p.Ser1230Asn (NM_001386342.1); short protein forms S1273N, S1230N, S1305N.
Identifiers: ClinVar variation 933306 (VCV000933306.10), dbSNP rs774935915, ClinGen allele CA5881127.

ClinVar aggregate classification (germline): Uncertain significance. Review status: criteria provided, multiple submitters, no conflicts (2 of 4 stars). 2 submissions from 2 submitters: Uncertain significance (2). Last evaluated 2024-12-04.

Conditions:
Charcot-Marie-Tooth disease type 4. Also called: Charcot-Marie-Tooth disease, type IV; Charcot-Marie-Tooth, Type 4. Identifiers: Orphanet 64749, MedGen C4082197, MONDO:0018995.
Inborn genetic diseases. Identifiers: MedGen C0950123, MeSH D030342.

Allele frequency attached by ClinVar (database versions not stated): ExAC 0.00001; gnomAD exomes 0.00001 and 0.00002; gnomAD 0.00002; TOPMed 0.00002.
gnomAD v4.1: 29 of 1,614,022 alleles (0.0018%); highest among the groups gnomAD compares: Non-Finnish European, 0.0021%; no homozygotes.

Submissions (2):

Ambry Genetics
Classification: Uncertain significance for Inborn genetic diseases. Last evaluated: 2024-12-04. Review status: criteria provided, single submitter. Criteria: Ambry Variant Classification Scheme 2023. Collection method: clinical testing. Allele origin: germline.

Labcorp Genetics (formerly Invitae), Labcorp
Classification: Uncertain significance for Charcot-Marie-Tooth disease type 4. Last evaluated: 2022-08-22. Review status: criteria provided, single submitter. Criteria: Invitae Variant Classification Sherloc (09022015). Collection method: clinical testing. Allele origin: germline.
Comment: This sequence change replaces serine, which is neutral and polar, with asparagine, which is neutral and polar, at codon 1273 of the SBF2 protein (p.Ser1273Asn). This variant is present in population databases (rs774935915, gnomAD 0.003%). This variant has not been reported in the literature in individuals affected with SBF2-related conditions. ClinVar contains an entry for this variant (Variation ID: 933306). Algorithms developed to predict the effect of missense changes on protein structure and function are either unavailable or do not agree on the potential impact of this missense change (SIFT: "Tolerated"; PolyPhen-2: "Possibly Damaging"; Align-GVGD: "Class C0"). In summary, the available evidence is currently insufficient to determine the role of this variant in disease. Therefore, it has been classified as a Variant of Uncertain Significance.